The following is an entry in ClinVar:

ClinVar aggregate classification (germline): Uncertain significance (1 of 4 stars; one submission).

Conditions:
Progressive myoclonic epilepsy. Also called: Progressive myoclonus epilepsy; Myoclonus epilepsy; Familial progressive myoclonic epilepsy; Myoclonic Epilepsies, Progressive. Identifiers: Orphanet 308, Orphanet 98261, MedGen C0751778, MONDO:0020074.

Submission:

Labcorp Genetics (formerly Invitae), Labcorp
Classification: Uncertain significance for Progressive myoclonic epilepsy. Last evaluated: 2022-08-09. Review status: criteria provided, single submitter. Criteria: Invitae Variant Classification Sherloc (09022015). Collection method: clinical testing. Allele origin: germline.
Comment: This variant is not present in population databases (gnomAD no frequency). This sequence change replaces threonine, which is neutral and polar, with alanine, which is neutral and non-polar, at codon 261 of the SCARB2 protein (p.Thr261Ala). This variant has not been reported in the literature in individuals affected with SCARB2-related conditions. In summary, the available evidence is currently insufficient to determine the role of this variant in disease. Therefore, it has been classified as a Variant of Uncertain Significance. Algorithms developed to predict the effect of sequence changes on RNA splicing suggest that this variant may create or strengthen a splice site. Algorithms developed to predict the effect of missense changes on protein structure and function (SIFT, PolyPhen-2, Align-GVGD) all suggest that this variant is likely to be tolerated. ClinVar contains an entry for this variant (Variation ID: 957081).

NM_005506.4(SCARB2):c.781A>G (p.Thr261Ala)

Gene: SCARB2 (scavenger receptor class B member 2; minus strand). Cytogenetic location: 4q21.1.
Variant type: single nucleotide variant.
Coding change: c.781A>G on transcript NM_005506.4 (MANE Select); coding-DNA position 781, A replaced by G.
Protein change: p.Thr261Ala; replaces threonine 261 with alanine.
Molecular consequence: missense variant.
Genome position (GRCh38, 1-based): chr4:76,175,834, T>C on the plus strand (A>G on the coding strand, the complement: SCARB2 is on the minus strand). VCF-style: chr4-76175834-T-C. GRCh37 (hg19) VCF-style: chr4-77096987-T-C.
Other names: c.352A>G, p.Thr118Ala (NM_001204255.2); short protein forms T118A, T261A.
Identifiers: ClinVar variation 957081 (VCV000957081.9), dbSNP rs1732241039, ClinGen allele CA357316221.